The following is an entry in ClinVar:

NM_001298.3(CNGA3):c.580G>T (p.Glu194Ter)

Gene: CNGA3 (cyclic nucleotide gated channel subunit alpha 3; plus strand). Cytogenetic location: 2q11.2.
Variant type: single nucleotide variant.
Coding change: c.580G>T on transcript NM_001298.3 (MANE Select); coding-DNA position 580, G replaced by T.
Protein change: p.Glu194Ter; replaces glutamic acid 194 with a stop codon.
Molecular consequence: nonsense.
Genome position (GRCh38, 1-based): chr2:98,391,877, G>T. VCF-style: chr2-98391877-G-T. GRCh37 (hg19) VCF-style: chr2-99008340-G-T.
Other names: c.526G>T, p.Glu176Ter (NM_001079878.2); short protein forms E176*, E194*.
Identifiers: ClinVar variation 2628058 (VCV002628058.2), dbSNP rs2104235566, ClinGen allele CA347831701.

ClinVar aggregate classification (germline): Likely pathogenic (1 of 4 stars; one submission).

Conditions:
Achromatopsia 2 (ACHM2). Also called: COLORBLINDNESS, TOTAL; ROD MONOCHROMACY 2; ROD MONOCHROMATISM 2. Identifiers: Orphanet 49382, MedGen C1857618, MONDO:0009003, OMIM 216900.

Submission:

DBGen Ocular Genomics
Classification: Likely pathogenic for Achromatopsia 2. Last evaluated: 2023-01-01. Review status: criteria provided, single submitter. Criteria: ACMG Guidelines, 2015. Collection method: clinical testing. Allele origin: inherited. Inheritance: Autosomal recessive inheritance. Affected: yes.
Comment: Class 4 ACMG Guidelines, 2015